The following is an entry in ClinVar:

ClinVar aggregate classification (germline): Likely pathogenic (1 of 4 stars; one submission).

Conditions:
Autosomal recessive Alport syndrome (ATS2). Also called: COL4A3-Related Nephropathy; COL4A4 Alport Syndrome and Thin Basement Membrane Nephropathy; ALPORT SYNDROME 2, AUTOSOMAL RECESSIVE; Alport syndrome type 2. Identifiers: Orphanet 63, Orphanet 88919, MedGen C4746745, MONDO:0008762, OMIM 203780.

Submission:

Myriad Genetics, Inc.
Classification: Likely pathogenic for Autosomal recessive Alport syndrome. Last evaluated: 2022-02-12. Review status: criteria provided, single submitter. Criteria: Myriad Women's Health Autosomal Recessive and X-Linked Classification Criteria (2021). Collection method: clinical testing. Allele origin: unknown.
Comment: NM_000092.4(COL4A4):c.4125T>A(C1375*) is expected to be pathogenic in the context of COL4A4-related Alport syndrome. This variant is predicted to lead to an abnormal or absent protein product due to the creation of a premature termination codon in COL4A4, a gene where loss-of-function variants are known to be pathogenic. Please note: this variant was assessed in the context of healthy population screening.

NM_000092.5(COL4A4):c.4125T>A (p.Cys1375Ter)

Gene: COL4A4 (collagen type IV alpha 4 chain; minus strand). Cytogenetic location: 2q36.3.
Variant type: single nucleotide variant.
Coding change: c.4125T>A on transcript NM_000092.5 (MANE Select); coding-DNA position 4125, T replaced by A.
Protein change: p.Cys1375Ter; replaces cysteine 1375 with a stop codon.
Molecular consequence: nonsense.
Genome position (GRCh38, 1-based): chr2:227,022,139, A>T on the plus strand (T>A on the coding strand, the complement: COL4A4 is on the minus strand). VCF-style: chr2-227022139-A-T. GRCh37 (hg19) VCF-style: chr2-227886855-A-T.
Other names: short protein forms C1375*.
Identifiers: ClinVar variation 1724400 (VCV001724400.2), dbSNP rs2473008834, ClinGen allele CA350836810.
Genomic context (GRCh38, chr2:227,022,139, plus strand): 5'-CCCCATGGCTCCTTCTGGTCCTCTCATGCCTGGCGCCCCAGGAAGGCCTGGGATTCGGGG[A>T]CAGTCATCCACATCTGCAGGTGGCCCCGGTTCACCTGAAATTGGAATCACCGCTTGTGTA-3'